The following is an entry in ClinVar:

ClinVar aggregate classification (germline): Uncertain significance (1 of 4 stars; one submission).

Submission:

Labcorp Genetics (formerly Invitae), Labcorp
Classification: Uncertain significance. Last evaluated: 2023-01-13. Review status: criteria provided, single submitter. Criteria: Invitae Variant Classification Sherloc (09022015). Collection method: clinical testing. Allele origin: germline.
Comment: In summary, the available evidence is currently insufficient to determine the role of this variant in disease. Therefore, it has been classified as a Variant of Uncertain Significance. Experimental studies and prediction algorithms are not available or were not evaluated, and the functional significance of this variant is currently unknown. This variant has not been reported in the literature in individuals affected with KMT2C-related conditions. This variant is present in population databases (no rsID available, gnomAD 0.002%). This variant, c.6873_6878del, results in the deletion of 2 amino acid(s) of the KMT2C protein (p.Pro2292_Ser2293del), but otherwise preserves the integrity of the reading frame.

NM_170606.3(KMT2C):c.6873_6878del (p.Pro2292_Ser2293del)

Gene: KMT2C (lysine methyltransferase 2C; minus strand). Cytogenetic location: 7q36.1.
Variant type: Deletion.
Coding change: c.6873_6878del on transcript NM_170606.3 (MANE Select); coding-DNA positions 6873 to 6878, 6 bases deleted (CCCATC; older notation c.6873_6878delCCCATC).
Protein change: p.Pro2292_Ser2293del.
Molecular consequence: inframe deletion.
Genome position (GRCh38, 1-based): chr7:152,180,982-152,180,987, GATGGG deleted on the plus strand (CCCATC on the coding strand, the reverse complement: KMT2C is on the minus strand); deleting any 6 consecutive bases within chr7:152,180,982-152,180,989 gives the same sequence; the c. name uses the placement nearest the transcript's 3' end. VCF-style (leftmost placement, unchanged base first): chr7-152180981-AGATGGG-A. GRCh37 (hg19) VCF-style: chr7-151878066-AGATGGG-A.
Identifiers: ClinVar variation 2724510 (VCV002724510.3), dbSNP rs1183248874, ClinGen allele CA458887314.